The following is an entry in ClinVar:

ClinVar aggregate classification (germline): Benign (1 of 4 stars; one submission).

gnomAD v4.1: 1,965 of 1,613,102 alleles (0.12%); highest among the groups gnomAD compares: African/African-American, 1.3%; 18 homozygotes.

Submission:

CeGaT Center for Human Genetics Tuebingen
Classification: Benign. Last evaluated: 2026-02-01. Review status: criteria provided, single submitter. Criteria: CeGaT Center For Human Genetics Tuebingen Variant Classification Criteria Version 2. Collection method: clinical testing. Allele origin: germline. Affected: yes. Observed: 4 variant alleles.
Comment: LRRC7: BP4, BP7, BS1, BS2

NM_001370785.2(LRRC7):c.555C>T (p.Asp185=)

Gene: LRRC7 (leucine rich repeat containing 7; plus strand). Cytogenetic location: 1p31.1.
Variant type: single nucleotide variant.
Coding change: c.555C>T on transcript NM_001370785.2 (MANE Select); coding-DNA position 555, C replaced by T.
Protein change: p.Asp185=; no amino-acid change (aspartic acid 185 retained).
Molecular consequence: synonymous variant.
Genome position (GRCh38, 1-based): chr1:69,834,834, C>T. VCF-style: chr1-69834834-C-T. GRCh37 (hg19) VCF-style: chr1-70300517-C-T.
Other names: c.456C>T, p.Asp152= (NM_001330635.3, NM_001366837.3, NM_001366839.3 and 1 more transcripts); c.558C>T, p.Asp186= (NM_001350216.3, NM_001366840.1); c.555C>T, p.Asp185= (NM_001366836.3, NM_001366838.3); c.612C>T, p.Asp204= (NM_001366842.1).
Identifiers: ClinVar variation 3770625 (VCV003770625.13).